The following is an entry in ClinVar:

NM_138395.4(MARS2):c.1293T>G (p.Ser431Arg)

Gene: MARS2 (methionyl-tRNA synthetase 2, mitochondrial; plus strand). Cytogenetic location: 2q33.1.
Variant type: single nucleotide variant.
Coding change: c.1293T>G on transcript NM_138395.4 (MANE Select); coding-DNA position 1293, T replaced by G.
Protein change: p.Ser431Arg; replaces serine 431 with arginine.
Molecular consequence: missense variant.
Genome position (GRCh38, 1-based): chr2:197,706,698, T>G. VCF-style: chr2-197706698-T-G. GRCh37 (hg19) VCF-style: chr2-198571422-T-G.
Other names: short protein forms S431R.
Identifiers: ClinVar variation 2973784 (VCV002973784.3), dbSNP rs745353109, ClinGen allele CA2044730.

ClinVar aggregate classification (germline): Uncertain significance (1 of 4 stars; one submission).

Allele frequency attached by ClinVar (database versions not stated): gnomAD exomes below 0.00001; gnomAD 0.00001; TOPMed 0.00001; ExAC 0.00002.

Submission:

Labcorp Genetics (formerly Invitae), Labcorp
Classification: Uncertain significance. Last evaluated: 2023-11-28. Review status: criteria provided, single submitter. Criteria: Invitae Variant Classification Sherloc (09022015). Collection method: clinical testing. Allele origin: germline.
Comment: This sequence change replaces serine, which is neutral and polar, with arginine, which is basic and polar, at codon 431 of the MARS2 protein (p.Ser431Arg). This variant is present in population databases (rs745353109, gnomAD 0.02%). This variant has not been reported in the literature in individuals affected with MARS2-related conditions. Algorithms developed to predict the effect of missense changes on protein structure and function output the following: SIFT: "Not Available"; PolyPhen-2: "Benign"; Align-GVGD: "Not Available". The arginine amino acid residue is found in multiple mammalian species, which suggests that this missense change does not adversely affect protein function. In summary, the available evidence is currently insufficient to determine the role of this variant in disease. Therefore, it has been classified as a Variant of Uncertain Significance.